The following is an entry in ClinVar:

ClinVar aggregate classification (germline): Benign (1 of 4 stars; one submission).

Allele frequency attached by ClinVar (database versions not stated): gnomAD exomes 0.48026; gnomAD 0.56156; TOPMed 0.57227; 1000 Genomes Project 30x 0.64116; 1000 Genomes Project 0.64557.
gnomAD v4.1: 590,273 of 1,201,932 alleles (49%); highest among the groups gnomAD compares: African/African-American, 78%; 150,643 homozygotes.

Submission:

Unidad de Genómica Garrahan, Hospital de Pediatría Garrahan
Classification: Benign. Last evaluated: 2024-01-24. Review status: criteria provided, single submitter. Criteria: ACMG Guidelines, 2015. Collection method: clinical testing. Allele origin: germline. Affected: no. Observed: 61 variant alleles.
Comment: This variant is classified as Benign based on local population frequency. This variant was detected in 64% of patients studied by a panel of primary immunodeficiencies. Number of patients: 61. Only high quality variants are reported.

NM_004946.3(DOCK2):c.4645-90T>C

Gene: DOCK2 (dedicator of cytokinesis 2; plus strand). Cytogenetic location: 5q35.1.
Variant type: single nucleotide variant.
Coding change: c.4645-90T>C on transcript NM_004946.3 (MANE Select); 90 bases into the intron before coding-DNA position 4645, T replaced by C.
Molecular consequence: intron variant.
Genome position (GRCh38, 1-based): chr5:170,069,047, T>C. VCF-style: chr5-170069047-T-C. GRCh37 (hg19) VCF-style: chr5-169496051-T-C.
Identifiers: ClinVar variation 2688045 (VCV002688045.2), dbSNP rs6868503, ClinGen allele CA15410411.
Genomic context (GRCh38, chr5:170,069,047, plus strand): 5'-GTCTCTCCAGACCTGTTACTCTTGTTCCATCCACATGCCTGTGACCTCATCCTTGCCCCT[T>C]TCAAATTGAATCTTCTCCCAGTGCCAAAGAGATTGGCTGTGAAATGCCACATGAACAGGA-3'